The following is an entry in ClinVar:

NM_007294.4(BRCA1):c.4289del (p.Pro1430fs)

Gene: BRCA1 (BRCA1 DNA repair associated; minus strand). Cytogenetic location: 17q21.31.
Variant type: Deletion.
Coding change: c.4289del on transcript NM_007294.4 (MANE Select); coding-DNA position 4289, one base deleted (C; older notation c.4289delC).
Protein change: p.Pro1430fs; shifts the reading frame from proline 1430.
Molecular consequence: frameshift variant.
Genome position (GRCh38, 1-based): chr17:43,082,472, G deleted on the plus strand (C on the coding strand, the reverse complement: BRCA1 is on the minus strand); the first of 3 consecutive G bases (chr17:43,082,472-43,082,474); deleting any one gives the same sequence. VCF-style (leftmost placement, unchanged base first): chr17-43082471-AG-A. GRCh37 (hg19) VCF-style: chr17-41234488-AG-A.
Other names: c.4286del, p.Pro1429fs (NM_001407624.1, NM_001407625.1, NM_001407626.1 and 21 more transcripts); c.4283del, p.Pro1428fs (NM_001407627.1, NM_001407632.1, NM_001407628.1 and 5 more transcripts); c.980del, p.Pro327fs (NM_001407971.1, NM_001407973.1, NM_001407974.1 and 8 more transcripts); c.977del, p.Pro326fs (NM_001407972.1, NM_001407979.1, NM_001407980.1 and 18 more transcripts); c.974del, p.Pro325fs (NM_001408400.1, NM_001408401.1, NM_001408402.1 and 1 more transcripts); c.971del, p.Pro324fs (NM_001408406.1, NM_001408408.1); c.902del, p.Pro301fs (NM_001408409.1, NM_001408411.1, NM_001408412.1 and 2 more transcripts); c.839del, p.Pro280fs (NM_001408410.1, NM_001408452.1, NM_001408453.1 and 8 more transcripts); and 53 more; short protein forms P1302fs, P1318fs, P1340fs, P1359fs, P1363fs, P1404fs, P1426fs, P199fs.
Identifiers: ClinVar variation 2774837 (VCV002774837.3), dbSNP rs80357556, ClinGen allele CA2697559866.

ClinVar aggregate classification (germline): Pathogenic. Review status: criteria provided, multiple submitters, no conflicts (2 of 4 stars). 2 submissions from 2 submitters: Pathogenic (2). Last evaluated 2025-02-28.

Conditions:
Hereditary cancer-predisposing syndrome. Also called: Neoplastic Syndromes, Hereditary; Tumor predisposition; Hereditary Cancer Syndrome; Hereditary neoplastic syndrome. Identifiers: Orphanet 140162, MedGen C0027672, MeSH D009386, MONDO:0015356.

Submissions (2):

Ambry Genetics
Classification: Pathogenic for Hereditary cancer-predisposing syndrome. Last evaluated: 2025-02-28. Review status: criteria provided, single submitter. Criteria: Ambry Variant Classification Scheme 2023. Collection method: clinical testing. Allele origin: germline.
Comment: The c.4289delC pathogenic mutation, located in coding exon 11 of the BRCA1 gene, results from a deletion of one nucleotide at nucleotide position 4289, causing a translational frameshift with a predicted alternate stop codon (p.P1430Lfs*4). This variant is considered to be rare based on population cohorts in the Genome Aggregation Database (gnomAD). This alteration is expected to result in loss of function by premature protein truncation or nonsense-mediated mRNA decay. As such, this alteration is interpreted as a disease-causing mutation.

Color Diagnostics, LLC DBA Color Health
Classification: Pathogenic for Hereditary cancer-predisposing syndrome. Last evaluated: 2023-02-16. Review status: criteria provided, single submitter. Criteria: ACMG Guidelines, 2015. Collection method: clinical testing. Allele origin: germline.
Comment: This variant deletes 1 nucleotide in exon 12 of the BRCA1 gene, creating a frameshift and premature translation stop signal. This variant is expected to result in an absent or non-functional protein product. To our knowledge, this variant has not been reported in individuals affected with BRCA1-related disorders in the literature. This variant has not been identified in the general population by the Genome Aggregation Database (gnomAD). Loss of BRCA1 function is a known mechanism of disease. Based on the available evidence, this variant is classified as Pathogenic.

Literature cited by the submitters: PubMed 39541563 (cited by Ambry Genetics).